The following is an entry in ClinVar:

NM_000929.3(PLA2G5):c.280G>C (p.Val94Leu)

Gene: PLA2G5 (phospholipase A2 group V; plus strand). Cytogenetic location: 1p36.13.
Variant type: single nucleotide variant.
Coding change: c.280G>C on transcript NM_000929.3 (MANE Select); coding-DNA position 280, G replaced by C.
Protein change: p.Val94Leu; replaces valine 94 with leucine.
Molecular consequence: missense variant.
Genome position (GRCh38, 1-based): chr1:20,089,883, G>C. VCF-style: chr1-20089883-G-C. GRCh37 (hg19) VCF-style: chr1-20416376-G-C.
Other names: c.280G>C (NM_000929.2); short protein forms V94L.
Identifiers: ClinVar variation 2901678 (VCV002901678.4), dbSNP rs752087893, ClinGen allele CA18909846.
Genomic context (GRCh38, chr1:20,089,883, plus strand): 5'-CTGGAGGAGAAGGGCTGCAACATTCGCACACAGTCCTACAAATACAGATTCGCGTGGGGC[G>C]TGGTCACCTGCGGTAAGGCTGGGGCTTCCCGTTCGGGCCATTGGAAGAGCACCTGACTTT-3'
Protein context (NP_000920.1, residues 84-104): QSYKYRFAWG[Val94Leu]VTCEPGPFCH

ClinVar aggregate classification (germline): Conflicting classifications of pathogenicity. Review status: criteria provided, conflicting classifications (1 of 4 stars). 2 submissions from 2 submitters: Uncertain significance (1); Likely benign (1). Last evaluated 2025-12-16.

Allele frequency attached by ClinVar (database versions not stated): TOPMed below 0.00001.
gnomAD v4.1: 8 of 1,612,490 alleles (0.0005%); highest among the groups gnomAD compares: Middle Eastern, 0.017%; no homozygotes.

Submissions (2):

Ambry Genetics
Classification: Likely benign. Last evaluated: 2025-12-16. Review status: criteria provided, single submitter. Criteria: Ambry Variant Classification Scheme 2023. Collection method: clinical testing. Allele origin: germline.

Labcorp Genetics (formerly Invitae), Labcorp
Classification: Uncertain significance. Last evaluated: 2025-10-08. Review status: criteria provided, single submitter. Criteria: Invitae Variant Classification Sherloc (09022015). Collection method: clinical testing. Allele origin: germline.
Comment: This sequence change replaces valine, which is neutral and non-polar, with leucine, which is neutral and non-polar, at codon 94 of the PLA2G5 protein (p.Val94Leu). This variant is not present in population databases (gnomAD no frequency). This variant has not been reported in the literature in individuals affected with PLA2G5-related conditions. ClinVar contains an entry for this variant (Variation ID: 2901678). An algorithm developed to predict the effect of missense changes on protein structure and function outputs the following: PolyPhen-2: "Benign". The leucine amino acid residue is found in multiple mammalian species, which suggests that this missense change does not adversely affect protein function. In summary, the available evidence is currently insufficient to determine the role of this variant in disease. Therefore, it has been classified as a Variant of Uncertain Significance.